The following is an entry in ClinVar:

ClinVar aggregate classification (germline): Uncertain significance. Review status: criteria provided, multiple submitters, no conflicts (2 of 4 stars). 2 submissions from 2 submitters: Uncertain significance (2). Last evaluated 2025-05-11.

Conditions:
Christianson syndrome (MRXSCH). Also called: INTELLECTUAL DEVELOPMENTAL DISORDER, X-LINKED, SYNDROMIC, CHRISTIANSON TYPE; X-linked mental retardation, syndromic, Christianson type; SLC9A6-Related Syndromic Mental Retardation. Identifiers: Orphanet 85278, MedGen C2678194, MONDO:0010278, OMIM 300243.

Submissions (2):

Labcorp Genetics (formerly Invitae), Labcorp
Classification: Uncertain significance for Christianson syndrome. Last evaluated: 2025-05-11. Review status: criteria provided, single submitter. Criteria: Invitae Variant Classification Sherloc (09022015). Collection method: clinical testing. Allele origin: germline.
Comment: This sequence change replaces proline, which is neutral and non-polar, with serine, which is neutral and polar, at codon 10 of the SLC9A6 protein (p.Pro10Ser). This variant is not present in population databases (gnomAD no frequency). This variant has not been reported in the literature in individuals affected with SLC9A6-related conditions. ClinVar contains an entry for this variant (Variation ID: 1349289). An algorithm developed to predict the effect of missense changes on protein structure and function outputs the following: PolyPhen-2: "Not Available". The serine amino acid residue is found in multiple mammalian species, which suggests that this missense change does not adversely affect protein function. In summary, the available evidence is currently insufficient to determine the role of this variant in disease. Therefore, it has been classified as a Variant of Uncertain Significance.

GeneDx
Classification: Uncertain significance. Last evaluated: 2024-08-07. Review status: criteria provided, single submitter. Criteria: GeneDx Variant Classification Process June 2021. Collection method: clinical testing. Allele origin: germline. Affected: yes.
Comment: Not observed at significant frequency in large population cohorts (gnomAD); In silico analysis indicates that this missense variant does not alter protein structure/function; Has not been previously published as pathogenic or benign to our knowledge

NM_001379110.1(SLC9A6):c.-57+53C>T

Genes: SLC9A6 (solute carrier family 9 member A6; plus strand), LOC130068746 (ATAC-STARR-seq lymphoblastoid silent region 21025; plus strand). Cytogenetic location: Xq26.3.
Variant type: single nucleotide variant.
Coding change: c.-57+53C>T on transcript NM_001379110.1 (MANE Select); 53 bases into the intron after 57 bases upstream of the start codon, C replaced by T.
Molecular consequence: intron variant. On other transcripts: missense variant (2).
Genome position (GRCh38, 1-based): chrX:135,985,530, C>T. VCF-style: chrX-135985530-C-T. GRCh37 (hg19) VCF-style: chrX-135067689-C-T.
Other names: c.28C>T (NM_006359.2); c.28C>T, p.Pro10Ser (NM_001042537.2, NM_006359.3); c.-57+53C>T (NM_001177651.2); c.-57+58C>T (NM_001330652.2); short protein forms P10S.
Identifiers: ClinVar variation 1349289 (VCV001349289.7), dbSNP rs2148129304, ClinGen allele CA414606370.